The following is an entry in ClinVar:

ClinVar aggregate classification (germline): Uncertain significance (1 of 4 stars; one submission).

gnomAD v4.1: 1 of 1,613,856 alleles (0.000062%); no homozygotes.

Submission:

Labcorp Genetics (formerly Invitae), Labcorp
Classification: Uncertain significance. Last evaluated: 2021-12-24. Review status: criteria provided, single submitter. Criteria: Invitae Variant Classification Sherloc (09022015). Collection method: clinical testing. Allele origin: germline.
Comment: This variant is not present in population databases (gnomAD no frequency). This variant has not been reported in the literature in individuals affected with NBAS-related conditions. Algorithms developed to predict the effect of missense changes on protein structure and function output the following: SIFT: "Deleterious"; PolyPhen-2: "Benign"; Align-GVGD: "Class C45". The serine amino acid residue is found in multiple mammalian species, which suggests that this missense change does not adversely affect protein function. In summary, the available evidence is currently insufficient to determine the role of this variant in disease. Therefore, it has been classified as a Variant of Uncertain Significance. This sequence change replaces asparagine, which is neutral and polar, with serine, which is neutral and polar, at codon 89 of the NBAS protein (p.Asn89Ser).

NM_015909.4(NBAS):c.266A>G (p.Asn89Ser)

Gene: NBAS (NBAS subunit of NRZ tethering complex; minus strand). Cytogenetic location: 2p24.3.
Variant type: single nucleotide variant.
Coding change: c.266A>G on transcript NM_015909.4 (MANE Select); coding-DNA position 266, A replaced by G.
Protein change: p.Asn89Ser; replaces asparagine 89 with serine.
Molecular consequence: missense variant. On other transcripts: non-coding transcript variant (1).
Genome position (GRCh38, 1-based): chr2:15,554,082, T>C on the plus strand (A>G on the coding strand, the complement: NBAS is on the minus strand). VCF-style: chr2-15554082-T-C. GRCh37 (hg19) VCF-style: chr2-15694206-T-C.
Other names: short protein forms N89S.
Identifiers: ClinVar variation 1977469 (VCV001977469.5), dbSNP rs2528022726, ClinGen allele CA345893741.